The following is an entry in ClinVar:

ClinVar aggregate classification (germline): Pathogenic/Likely pathogenic. Review status: criteria provided, multiple submitters, no conflicts (2 of 4 stars). 3 submissions from 3 submitters: Pathogenic (1); Likely pathogenic (1). 1 of the submissions does not count toward it. Last evaluated 2024-03-26.

Conditions:
Epidermolysis bullosa, junctional 4, intermediate. Also called: Epidermolysis bullosa, junctional, localisata variant; EPIDERMOLYSIS BULLOSA, JUNCTIONAL 4, NON-HERLITZ TYPE; EPIDERMOLYSIS BULLOSA, GENERALIZED ATROPHIC BENIGN. Identifiers: MedGen C2608084, MONDO:0030750, OMIM 619787.
Junctional epidermolysis bullosa, non-Herlitz type. Also called: Adult junctional epidermolysis bullosa; COL17A1-Related Junctional Epidermolysis Bullosa; EPIDERMOLYSIS BULLOSA, JUNCTIONAL 1A, INTERMEDIATE; Epidermolysis bullosa, junctional, non-herlitz type, somatic mosaic revertant; EPIDERMOLYSIS BULLOSA JUNCTIONALIS, DISENTIS TYPE; EPIDERMOLYSIS BULLOSA JUNCTIONALIS, NON-HERLITZ TYPE. Identifiers: Orphanet 251393, Orphanet 79402, Orphanet 79405, Orphanet 89840, MedGen C0268374, MONDO:0009180, OMIM 226650.

Submissions (3):

Genomic Medicine Center of Excellence, King Faisal Specialist Hospital and Research Centre
Classification: Likely pathogenic for Epidermolysis bullosa, junctional 4, intermediate. Last evaluated: 2024-03-26. Review status: criteria provided, single submitter. Criteria: ACMG Guidelines, 2015. Collection method: clinical testing. Allele origin: germline.

GeneDx
Classification: Pathogenic. Last evaluated: 2015-07-10. Review status: criteria provided, single submitter. Criteria: GeneDx Variant Classification (06012015). Collection method: clinical testing. Allele origin: germline. Affected: yes.
Comment: The c.3922delA deletion in the COL17A1 gene has not been reported previously as a pathogenic variant nor as a benign polymorphism, to our knowledge. The c.3922delA deletion is predicted tocause loss of normal protein function either through protein truncation or nonsense-mediated mRNAdecay. The c.3922delA variant was not observed in approximately 6500 individuals of European andAfrican American ancestry in the NHLBI Exome Sequencing Project, indicating it is not a common benignvariant in these populations. We interpret c.3922delA as a pathogenic variant.

Bioscientia Institut fuer Medizinische Diagnostik GmbH, Sonic Healthcare
Classification: Pathogenic for Junctional epidermolysis bullosa, non-Herlitz type. Last evaluated: 2017-09-18. Review status: no assertion criteria provided. Collection method: clinical testing. Allele origin: germline. Affected: yes. Not counted in ClinVar's aggregate classification.

NM_000494.4(COL17A1):c.3922del (p.Ser1308fs)

Gene: COL17A1 (collagen type XVII alpha 1 chain; minus strand). Cytogenetic location: 10q25.1.
Variant type: Deletion.
Coding change: c.3922del on transcript NM_000494.4 (MANE Select); coding-DNA position 3922, one base deleted (A; older notation c.3922delA).
Protein change: p.Ser1308fs; shifts the reading frame from serine 1308.
Molecular consequence: frameshift variant.
Genome position (GRCh38, 1-based): chr10:104,034,179, T deleted on the plus strand (A on the coding strand, the reverse complement: COL17A1 is on the minus strand). VCF-style (leftmost placement, unchanged base first): chr10-104034178-CT-C. GRCh37 (hg19) VCF-style: chr10-105793936-CT-C.
Other names: c.3922del, p.Ser1308fs (LRG_1249t1); short protein forms S1308fs.
Identifiers: ClinVar variation 419270 (VCV000419270.4), dbSNP rs1064793760, ClinGen allele CA16618927.
Genomic context (GRCh38, chr10:104,034,178, plus strand): 5'-CCAAAGGCACCGCCTGCACCCAGGGAGCCTGCACCACCTCCTCCTGTGCTCATGGAAGAG[CT>C]GTAGGAGCTGCCCCGCCTGACAGATGAGCTGTGTGAGGAGGAGCTGCTACCCCGACTGTG-3'